The following is an entry in ClinVar:

NM_001365536.1(SCN9A):c.5473G>A (p.Ala1825Thr)

Genes: SCN1A-AS1 (SCN1A and SCN9A antisense RNA 1; plus strand), SCN9A (sodium voltage-gated channel alpha subunit 9; minus strand). Cytogenetic location: 2q24.3.
Variant type: single nucleotide variant.
Coding change: c.5473G>A on transcript NM_001365536.1 (MANE Select); coding-DNA position 5473, G replaced by A.
Protein change: p.Ala1825Thr; replaces alanine 1825 with threonine.
Molecular consequence: missense variant.
Genome position (GRCh38, 1-based): chr2:166,199,166, C>T on the plus strand (G>A on the coding strand, the complement: SCN9A is on the minus strand). VCF-style: chr2-166199166-C-T. GRCh37 (hg19) VCF-style: chr2-167055676-C-T.
Other names: c.5440G>A, p.Ala1814Thr (NM_002977.4); short protein forms A1825T, A1814T.
Identifiers: ClinVar variation 2938827 (VCV002938827.3), dbSNP rs201972510, ClinGen allele CA59783493.

ClinVar aggregate classification (germline): Uncertain significance (1 of 4 stars; one submission).

Conditions:
Neuropathy, hereditary sensory and autonomic, type 2A (HSAN2A). Also called: ACROOSTEOLYSIS, GIACCAI TYPE; ACROOSTEOLYSIS, NEUROGENIC; MORVAN DISEASE; NEUROPATHY, CONGENITAL SENSORY; NEUROPATHY, HEREDITARY SENSORY RADICULAR, AUTOSOMAL RECESSIVE; NEUROPATHY, HEREDITARY SENSORY, TYPE IIA. Identifiers: Orphanet 970, MedGen C2752089, MONDO:0024309, OMIM 201300.
Generalized epilepsy with febrile seizures plus, type 7 (GEFSP7). Also called: GEFS+, TYPE 7. Identifiers: Orphanet 36387, MedGen C2751778, MONDO:0013470, OMIM 613863.

Submission:

Labcorp Genetics (formerly Invitae), Labcorp
Classification: Uncertain significance for Neuropathy, hereditary sensory and autonomic, type 2A; Generalized epilepsy with febrile seizures plus, type 7. Last evaluated: 2025-08-27. Review status: criteria provided, single submitter. Criteria: Invitae Variant Classification Sherloc (09022015). Collection method: clinical testing. Allele origin: germline.
Comment: This sequence change replaces alanine, which is neutral and non-polar, with threonine, which is neutral and polar, at codon 1814 of the SCN9A protein (p.Ala1814Thr). This variant is not present in population databases (gnomAD no frequency). This variant has not been reported in the literature in individuals affected with SCN9A-related conditions. ClinVar contains an entry for this variant (Variation ID: 2938827). Invitae Evidence Modeling of protein sequence and biophysical properties (such as structural, functional, and spatial information, amino acid conservation, physicochemical variation, residue mobility, and thermodynamic stability) indicates that this missense variant is not expected to disrupt SCN9A protein function with a negative predictive value of 95%. In summary, the available evidence is currently insufficient to determine the role of this variant in disease. Therefore, it has been classified as a Variant of Uncertain Significance.